The following is an entry in ClinVar:

NM_000059.4(BRCA2):c.2676_2677del (p.Phe892fs)

Gene: BRCA2 (BRCA2 DNA repair associated; plus strand). Cytogenetic location: 13q13.1.
Variant type: Deletion.
Coding change: c.2676_2677del on transcript NM_000059.4 (MANE Select); coding-DNA positions 2676 to 2677, 2 bases deleted (CC; older notation c.2676_2677delCC).
Protein change: p.Phe892fs; shifts the reading frame from phenylalanine 892.
Molecular consequence: frameshift variant.
Genome position (GRCh38, 1-based): chr13:32,337,031-32,337,032, CC deleted. VCF-style (leftmost placement, unchanged base first): chr13-32337030-TCC-T. GRCh37 (hg19) VCF-style: chr13-32911167-TCC-T.
Other names: short protein forms F892fs.
Identifiers: ClinVar variation 1285548 (VCV001285548.2), dbSNP rs2137488835, ClinGen allele CA2499222113.

ClinVar aggregate classification (germline): Pathogenic (1 of 4 stars; one submission).

Conditions:
Breast-ovarian cancer, familial, susceptibility to, 2 (BROVCA2). Also called: BRCA2 Hereditary Breast and Ovarian Cancer. Identifiers: Orphanet 145, MedGen C2675520, MONDO:0012933, OMIM 612555. Disease mechanism: loss of function.

Submission:

Institute of Human Genetics, University of Leipzig Medical Center
Classification: Pathogenic for Breast-ovarian cancer, familial, susceptibility to, 2. Last evaluated: 2025-03-04. Review status: criteria provided, single submitter. Criteria: ACMG Guidelines, 2015. Collection method: clinical testing. Allele origin: unknown. Inheritance: Autosomal dominant inheritance. Affected: yes.
Comment: Criteria applied: PVS1,PM5_STR,PM2_SUP